The following is an entry in ClinVar:

ClinVar aggregate classification (germline): Pathogenic. Review status: criteria provided, single submitter (1 of 4 stars). 2 submissions from 2 submitters: Pathogenic (1). 1 of the submissions does not count toward it.

Conditions:
Alzheimer disease 3 (AD3). Also called: ALZHEIMER DISEASE, FAMILIAL, 3. Identifiers: Orphanet 1020, MedGen C1843013, MONDO:0011913, OMIM 607822.

Submissions (2):

Human Genome Lab, NIMHANS, National Institute of Mental Health and Neuro Sciences
Classification: Pathogenic for Alzheimer disease 3. Review status: criteria provided, single submitter. Criteria: ACMG Guidelines, 2015. Collection method: clinical testing. Allele origin: germline. Inheritance: Autosomal dominant inheritance. Affected: yes. Observed: 1 heterozygote.
Comment: The missense variant NM_000021.4(PSEN1):c.436A>G (p.Met146Val) is novel in 1kG All, and gnomAD joint variant frequencies (PM2). There is a small physicochemical difference between methionine and valine, which is not likely to impact secondary protein structure as these residues share similar properties. The gene PSEN1 has a low rate of benign missense variation as indicated by a high missense variants Z-Score of 3.10. The gene PSEN1 contains 123 pathogenic missense variants, indicating that missense variants are a common mechanism of disease in this gene (PP2). 7 variants within 6 amino acid positions of the variant p.Met146Val have been shown to be pathogenic, while none have been shown to be benign (PM1). The p.Met146Val missense variant is predicted to be damaging by both SIFT and PolyPhen2. Alpha Missense also classifies this variant as pathogenic. The methionine residue at codon 146 of PSEN1 is conserved in all mammalian species. The nucleotide c.436 in PSEN1 is predicted conserved by GERP++ and PhyloP across 100 vertebrates (PP3). The p.Met146Val variant is a missense mutation resulting in an amino acid change which occurs at the same amino acid position as 4 previously classified pathogenic variants (PM5). The variant p.Met146Val has been previously classified as Pathogenic in ClinVar (Variation ID 18129 as of 2025-05-01) with respect to Alzheimer disease 3 with a status of (0 stars) no assertion criteria provided (PP5_STrong). For these reasons, this variant has been classified as Pathogenic. ACMG Criteria: PM2 PM1 PP2 PP3 PP5_Strong PM5

OMIM
Classification: Pathogenic for ALZHEIMER DISEASE, FAMILIAL, 3. Last evaluated: 1995-10-01. Review status: no assertion criteria provided. Collection method: literature only. Allele origin: germline. Not counted in ClinVar's aggregate classification.

Literature cited by the submitters: PubMed 7550356 (cited by OMIM).

NM_000021.4(PSEN1):c.436A>G (p.Met146Val)

Gene: PSEN1 (presenilin 1; plus strand). Cytogenetic location: 14q24.2.
Variant type: single nucleotide variant.
Coding change: c.436A>G on transcript NM_000021.4 (MANE Select); coding-DNA position 436, A replaced by G.
Protein change: p.Met146Val; replaces methionine 146 with valine.
Molecular consequence: missense variant.
Genome position (GRCh38, 1-based): chr14:73,173,663, A>G. VCF-style: chr14-73173663-A-G. GRCh37 (hg19) VCF-style: chr14-73640371-A-G.
Other names: c.424A>G, p.Met142Val (NM_007318.3); short protein forms M146V, M142V.
Identifiers: ClinVar variation 18129 (VCV000018129.1), dbSNP rs63750306, ClinGen allele CA258120.